The following is an entry in ClinVar:

NM_000256.3(MYBPC3):c.3193A>G (p.Lys1065Glu)

Gene: MYBPC3 (myosin binding protein C3; minus strand). Cytogenetic location: 11p11.2.
Variant type: single nucleotide variant.
Coding change: c.3193A>G on transcript NM_000256.3 (MANE Select); coding-DNA position 3193, A replaced by G.
Protein change: p.Lys1065Glu; replaces lysine 1065 with glutamic acid.
Molecular consequence: missense variant.
Genome position (GRCh38, 1-based): chr11:47,333,331, T>C on the plus strand (A>G on the coding strand, the complement: MYBPC3 is on the minus strand). VCF-style: chr11-47333331-T-C. GRCh37 (hg19) VCF-style: chr11-47354882-T-C.
Other names: short protein forms K1065E.
Identifiers: ClinVar variation 3071223 (VCV003071223.1), dbSNP rs1262284593, ClinGen allele CA380314558.

ClinVar aggregate classification (germline): Uncertain significance (1 of 4 stars; one submission).

Conditions:
Hypertrophic cardiomyopathy. Also called: HYPERTROPHIC MYOCARDIOPATHY. Identifiers: Orphanet 217569, MedGen C0007194, MeSH D002312, MONDO:0005045, HP:0001639.

Submission:

All of Us Research Program, National Institutes of Health
Classification: Uncertain significance for Hypertrophic cardiomyopathy. Last evaluated: 2023-05-16. Review status: criteria provided, single submitter. Criteria: ACMG Guidelines, 2015. Collection method: clinical testing. Allele origin: germline. Inheritance: Autosomal dominant inheritance. Observed: 1 variant allele, 1 heterozygote.
Comment: This missense variant replaces lysine with glutamic acid at codon 1065 of the MYBPC3 protein. Computational prediction suggests that this variant may not impact protein structure and function (internally defined REVEL score threshold <= 0.5, PMID: 27666373). To our knowledge, functional studies have not been reported for this variant. This variant has not been reported in individuals affected with MYBPC3-related disorders in the literature. This variant has not been identified in the general population by the Genome Aggregation Database (gnomAD). The available evidence is insufficient to determine the role of this variant in disease conclusively. Therefore, this variant is classified as a Variant of Uncertain Significance.

This study involves interpretation of variants in research participants for the purpose of population health screening. Participant phenotype was not available at the time of variant classification. Additional details can be found in publication PMID: 35346344, PMCID: PMC8962531